The following is an entry in ClinVar:

NM_002439.5(MSH3):c.2105dup (p.Leu702fs)

Gene: MSH3 (mutS homolog 3; plus strand). Cytogenetic location: 5q14.1.
Variant type: Duplication.
Coding change: c.2105dup on transcript NM_002439.5 (MANE Select); coding-DNA position 2105, one base duplicated (T; older notation c.2105dupT).
Protein change: p.Leu702fs; shifts the reading frame from leucine 702.
Molecular consequence: frameshift variant.
Genome position (GRCh38, 1-based): chr5:80,768,855, T duplicated; the last of 2 consecutive T bases (chr5:80,768,854-80,768,855); duplicating either gives the same sequence. VCF-style (leftmost placement, unchanged base first): chr5-80768853-A-AT. GRCh37 (hg19) VCF-style: chr5-80064672-A-AT.
Other names: short protein forms L702fs.
Identifiers: ClinVar variation 2820094 (VCV002820094.3), dbSNP rs2546774182, ClinGen allele CA2739274797.
Genomic context (GRCh38, chr5:80,768,853, plus strand): 5'-TAATAAACTTCGAATATGTATTTGCATGTTTTGATTTTTTAGAGTTGGGGATAAAACTGA[A>AT]TTATTTAAAGACCTTTCTGACTTCCCTTTAATAAAAAAGAGGAAGGATGAAATTCAAGGT-3'

ClinVar aggregate classification (germline): Pathogenic (1 of 4 stars; one submission).

Submission:

Labcorp Genetics (formerly Invitae), Labcorp
Classification: Pathogenic. Last evaluated: 2022-12-11. Review status: criteria provided, single submitter. Criteria: Invitae Variant Classification Sherloc (09022015). Collection method: clinical testing. Allele origin: germline.
Comment: This variant is not present in population databases (gnomAD no frequency). This sequence change creates a premature translational stop signal (p.Leu702Phefs*3) in the MSH3 gene. It is expected to result in an absent or disrupted protein product. Loss-of-function variants in MSH3 are known to be pathogenic (PMID: 27476653). This variant has not been reported in the literature in individuals affected with MSH3-related conditions. For these reasons, this variant has been classified as Pathogenic.

Literature cited by the submitters: PubMed 27476653.